The following is an entry in ClinVar:

ClinVar aggregate classification (germline): Conflicting classifications of pathogenicity. Review status: criteria provided, conflicting classifications (1 of 4 stars). 7 submissions from 7 submitters: Uncertain significance (2); Likely benign (3). 2 of the submissions do not count toward it. Last evaluated 2026-01-25.

Conditions:
Familial cancer of breast. Also called: hereditary breast carcinoma; Hereditary breast cancer; BREAST CANCER, FAMILIAL. Identifiers: Orphanet 227535, MedGen C0346153, MONDO:0016419, OMIM 114480. Disease mechanism: loss of function.
Ataxia-telangiectasia syndrome (AT). Also called: Ataxia telangiectasia (A-T); Cerebello-oculocutaneous telangiectasia; Immunodeficiency with ataxia telangiectasia; LOUIS-BAR SYNDROME; AT, COMPLEMENTATION GROUP C; ATAXIA-TELANGIECTASIA, FRESNO VARIANT. Identifiers: Orphanet 100, MedGen C0004135, MONDO:0008840, OMIM 208900.
Hereditary cancer-predisposing syndrome. Also called: Neoplastic Syndromes, Hereditary; Hereditary neoplastic syndrome; Tumor predisposition; Hereditary Cancer Syndrome. Identifiers: Orphanet 140162, MedGen C0027672, MeSH D009386, MONDO:0015356.

Allele frequency attached by ClinVar (database versions not stated): TOPMed below 0.00001.
gnomAD v4.1: 30 of 1,611,538 alleles (0.0019%); highest among the groups gnomAD compares: Non-Finnish European, 0.0025%; no homozygotes.

Submissions (7):

Labcorp Genetics (formerly Invitae), Labcorp
Classification: Likely benign for Ataxia-telangiectasia syndrome. Last evaluated: 2026-01-25. Review status: criteria provided, single submitter. Criteria: Invitae Variant Classification Sherloc (09022015). Collection method: clinical testing. Allele origin: germline.

Blueprint Genetics
Classification: Likely benign. Last evaluated: 2023-09-20. Review status: criteria provided, single submitter. Criteria: ACMG Guidelines, 2015. Collection method: clinical testing. Allele origin: germline.

GeneDx
Classification: Uncertain significance. Last evaluated: 2021-03-23. Review status: criteria provided, single submitter. Criteria: GeneDx Variant Classification Process June 2021. Collection method: clinical testing. Allele origin: germline. Affected: yes.
Comment: Not observed at a significant frequency in large population cohorts (Lek 2016); In-silico analysis, which includes splice predictors and evolutionary conservation, is inconclusive as to whether the variant alters gene splicing.; Published functional studies suggest no damaging effect: no effect on splicing, however, data was not available to independently review (Casadei 2019); Observed in individuals with endometrial and other cancers (Ring 2016, Casadei 2019); This variant is associated with the following publications: (PMID: 27443514, 31843900)

Department of Pathology and Laboratory Medicine, Sinai Health System
Classification: Uncertain significance for Familial cancer of breast; Ataxia-telangiectasia syndrome. Last evaluated: 2020-06-23. Review status: criteria provided, single submitter. Criteria: ACMG Guidelines, 2015. Collection method: clinical testing. Allele origin: germline. Affected: yes.

Color Diagnostics, LLC DBA Color Health
Classification: Likely benign for Hereditary cancer-predisposing syndrome. Last evaluated: 2015-04-22. Review status: criteria provided, single submitter. Criteria: ACMG Guidelines, 2015. Collection method: clinical testing. Allele origin: germline.

King Laboratory, University of Washington
Classification: Benign. Last evaluated: 2019-09-01. Review status: no assertion criteria provided. Collection method: research. Allele origin: germline. Affected: yes. Not counted in ClinVar's aggregate classification.
Comment: Transcript analysis by cBROCA

Counsyl
Classification: Uncertain significance for Ataxia-telangiectasia syndrome. Last evaluated: 2017-01-31. Review status: no assertion criteria provided. Collection method: clinical testing. Allele origin: unknown. Not counted in ClinVar's aggregate classification.

Literature cited by the submitters: PubMed 27443514 (cited by Department of Pathology and Laboratory Medicine, Sinai Health System); PubMed 31843900 (cited by King Laboratory, University of Washington).

NM_000051.4(ATM):c.8011-6T>G

Genes: C11orf65 (chromosome 11 open reading frame 65; minus strand), ATM (ATM serine/threonine kinase; plus strand). Cytogenetic location: 11q22.3.
Variant type: single nucleotide variant.
Coding change: c.8011-6T>G on transcript NM_000051.4 (MANE Select); 6 bases into the intron before coding-DNA position 8011, T replaced by G.
Molecular consequence: intron variant.
Genome position (GRCh38, 1-based): chr11:108,334,963, T>G. VCF-style: chr11-108334963-T-G. GRCh37 (hg19) VCF-style: chr11-108205690-T-G.
Other names: c.8011-6T>G (NM_001351834.2); c.641-25892A>C (NM_001330368.2); c.*38+257A>C (NM_001351110.2).
Identifiers: ClinVar variation 236782 (VCV000236782.23), dbSNP rs762092284, ClinGen allele CA6266263.